The following is an entry in ClinVar:

ClinVar aggregate classification (germline): Uncertain significance (1 of 4 stars; one submission).

Submission:

Ambry Genetics
Classification: Uncertain significance. Last evaluated: 2024-11-09. Review status: criteria provided, single submitter. Criteria: Ambry Variant Classification Scheme 2023. Collection method: clinical testing. Allele origin: germline.
Comment: The p.S531L variant (also known as c.1592C>T), located in coding exon 3 of the ALPK2 gene, results from a C to T substitution at nucleotide position 1592. The serine at codon 531 is replaced by leucine, an amino acid with dissimilar properties. This amino acid position is conserved. In addition, this alteration is predicted to be tolerated by in silico analysis. Based on the available evidence, the clinical significance of this variant remains unclear.

NM_052947.4(ALPK2):c.1592C>T (p.Ser531Leu)

Gene: ALPK2 (alpha kinase 2; minus strand). Cytogenetic location: 18q21.31.
Variant type: single nucleotide variant.
Coding change: c.1592C>T on transcript NM_052947.4 (MANE Select); coding-DNA position 1592, C replaced by T.
Protein change: p.Ser531Leu; replaces serine 531 with leucine.
Molecular consequence: missense variant.
Genome position (GRCh38, 1-based): chr18:58,579,184, G>A on the plus strand (C>T on the coding strand, the complement: ALPK2 is on the minus strand). VCF-style: chr18-58579184-G-A. GRCh37 (hg19) VCF-style: chr18-56246416-G-A.
Other names: short protein forms S531L.
Identifiers: ClinVar variation 3531989 (VCV003531989.1).
Genomic context (GRCh38, chr18:58,579,184, plus strand): 5'-GCATTCGGCTTCTTGGGATTTCCCTTCATTCCCGGCTGCCTCACCCTGGCAGATTTCCTT[G>A]AACCCCTCTTGCTCCATAAGTCCTTTCCCCCCACTCTCTTGTCAGCTGCCGTCTCCCAAC-3'
Protein context (NP_443179.3, residues 521-541): GGKDLWSKRG[Ser531Leu]RKSARVRQPG